The following is an entry in ClinVar:

NM_000051.4(ATM):c.845T>G (p.Leu282Ter)

Gene: ATM (ATM serine/threonine kinase; plus strand). Cytogenetic location: 11q22.3.
Variant type: single nucleotide variant.
Coding change: c.845T>G on transcript NM_000051.4 (MANE Select); coding-DNA position 845, T replaced by G.
Protein change: p.Leu282Ter; replaces leucine 282 with a stop codon.
Molecular consequence: nonsense.
Genome position (GRCh38, 1-based): chr11:108,244,970, T>G. VCF-style: chr11-108244970-T-G. GRCh37 (hg19) VCF-style: chr11-108115697-T-G.
Other names: c.845T>G, p.Leu282Ter (NM_001351834.2); short protein forms L282*.
Identifiers: ClinVar variation 1343500 (VCV001343500.2), dbSNP rs2135242595, ClinGen allele CA382529469.

ClinVar aggregate classification (germline): Likely pathogenic (1 of 4 stars; one submission).

Conditions:
Malignant tumor of breast. Also called: Malignant breast neoplasm; Cancer breast. Identifiers: MedGen C0006142, MONDO:0007254. Disease mechanism: loss of function.

Submission:

Women's Health and Genetics/Laboratory Corporation of America, LabCorp
Classification: Likely pathogenic for Malignant tumor of breast. Last evaluated: 2022-02-21. Review status: criteria provided, single submitter. Criteria: LabCorp Variant Classification Summary - May 2015. Collection method: clinical testing. Allele origin: germline.
Comment: Variant summary: ATM c.845T>G (p.Leu282X) results in a premature termination codon, predicted to cause a truncation of the encoded protein or absence of the protein due to nonsense mediated decay, which are commonly known mechanisms for disease. Truncations downstream of this position have been classified as pathogenic by our laboratory. The variant was absent in 250224 control chromosomes (gnomAD). To our knowledge, no occurrence of c.845T>G in individuals affected with Breast Cancer and no experimental evidence demonstrating its impact on protein function have been reported. No clinical diagnostic laboratories have submitted clinical-significance assessments for this variant to ClinVar after 2014. Based on the evidence outlined above, the variant was classified as likely pathogenic.